The following is an entry in ClinVar:

NM_001754.5(RUNX1):c.180C>T (p.Ala60=)

Gene: RUNX1 (RUNX family transcription factor 1; minus strand). Cytogenetic location: 21q22.12.
Variant type: single nucleotide variant.
Coding change: c.180C>T on transcript NM_001754.5 (MANE Select); coding-DNA position 180, C replaced by T.
Protein change: p.Ala60=; no amino-acid change (alanine 60 retained).
Molecular consequence: synonymous variant.
Genome position (GRCh38, 1-based): chr21:34,887,014, G>A on the plus strand (C>T on the coding strand, the complement: RUNX1 is on the minus strand). VCF-style: chr21-34887014-G-A. GRCh37 (hg19) VCF-style: chr21-36259311-G-A.
Other names: c.99C>T, p.Ala33= (NM_001001890.3, NM_001122607.2).
Identifiers: ClinVar variation 463987 (VCV000463987.12), dbSNP rs375562861, ClinGen allele CA10014575.

ClinVar aggregate classification (germline): Likely benign. Review status: reviewed by expert panel (3 of 4 stars). 3 submissions from 3 submitters: Likely benign (1). 2 of the submissions do not count toward it. Last evaluated 2021-01-12.

Conditions:
Hereditary thrombocytopenia and hematological cancer predisposition syndrome associated with RUNX1. Also called: PLATELET DISORDER, ASPIRIN-LIKE; Familial Platelet Disorder with Propensity to Acute Myelogenous Leukemia; Familial thrombocytopenia with propensity to acute myelogenous leukemia; RUNX1 Familial Platelet Disorder with Associated Myeloid Malignancies. Identifiers: Orphanet 71290, MedGen C1832388, MeSH C563324, MONDO:0100083, OMIM 601399.
Hereditary thrombocytopenia and hematologic cancer predisposition syndrome. Identifiers: Orphanet 71290, MedGen CN281654, MONDO:0011071.
Inborn genetic diseases. Identifiers: MedGen C0950123, MeSH D030342.

Allele frequency attached by ClinVar (database versions not stated): ExAC 0.00001; gnomAD 0.00001; gnomAD exomes 0.00001; TOPMed 0.00001; ESP Exome Variant Server 0.00008.
gnomAD v4.1: 5 of 1,601,960 alleles (0.00031%); highest among the groups gnomAD compares: East Asian, 0.0022%; no homozygotes.

Submissions (3):

ClinGen Myeloid Malignancy Variant Curation Expert Panel
Classification: Likely benign for Hereditary thrombocytopenia and hematologic cancer predisposition syndrome. Last evaluated: 2021-01-12. Review status: reviewed by expert panel. Criteria: ClinGen MyeloMalig ACMG Specifications v1. Collection method: curation. Allele origin: germline. Inheritance: Autosomal dominant inheritance.
Comment: This synonymous variant is predicted by SSF and MES to lead to either an increase in the canonical splice site score or a decrease of the canonical splice site score by no more than 10% and no putative cryptic splice sites are created, and although evolutionary conservation prediction algorithms predict the site as being weakly conserved (PhyloP score: 1.66 > 0.1 [-14.1;6.4]), the variant is the reference nucleotide in one primate and/or three mammal species (BP4+BP7). In summary, this variant meets criteria to be classified as likely benign. ACMG/AMP criteria applied, as specified by the ClinGen Myeloid Malignancy Variant Curation Expert Panel for RUNX1: BP4 and BP7.

Labcorp Genetics (formerly Invitae), Labcorp
Classification: Likely benign for Hereditary thrombocytopenia and hematological cancer predisposition syndrome associated with RUNX1. Last evaluated: 2025-04-22. Review status: criteria provided, single submitter. Criteria: Invitae Variant Classification Sherloc (09022015). Collection method: clinical testing. Allele origin: germline. Not counted in ClinVar's aggregate classification.

Ambry Genetics
Classification: Likely benign for Inborn genetic diseases. Last evaluated: 2024-12-16. Review status: criteria provided, single submitter. Criteria: Ambry Variant Classification Scheme 2023. Collection method: clinical testing. Allele origin: germline. Not counted in ClinVar's aggregate classification.